The following is an entry in ClinVar:

ClinVar aggregate classification (germline): Uncertain significance (1 of 4 stars; one submission).

Conditions:
Cardiovascular phenotype. Identifiers: MedGen CN230736.

Submission:

Ambry Genetics
Classification: Uncertain significance for Cardiovascular phenotype. Last evaluated: 2025-07-29. Review status: criteria provided, single submitter. Criteria: Ambry Variant Classification Scheme 2023. Collection method: clinical testing. Allele origin: germline.
Comment: The p.A845P variant (also known as c.2533G>C), located in coding exon 6 of the ALPK3 gene, results from a G to C substitution at nucleotide position 2533. The alanine at codon 845 is replaced by proline, an amino acid with highly similar properties. This amino acid position is conserved. In addition, this alteration is predicted to be tolerated by in silico analysis. Based on the available evidence, the clinical significance of this variant remains unclear.

NM_020778.5(ALPK3):c.1927G>C (p.Ala643Pro)

Gene: ALPK3 (alpha kinase 3; plus strand). Cytogenetic location: 15q25.3.
Variant type: single nucleotide variant.
Coding change: c.1927G>C on transcript NM_020778.5 (MANE Select); coding-DNA position 1927, G replaced by C.
Protein change: p.Ala643Pro; replaces alanine 643 with proline.
Molecular consequence: missense variant.
Genome position (GRCh38, 1-based): chr15:84,856,665, G>C. VCF-style: chr15-84856665-G-C. GRCh37 (hg19) VCF-style: chr15-85399896-G-C.
Other names: short protein forms A643P.
Identifiers: ClinVar variation 4089009 (VCV004089009.1).
Genomic context (GRCh38, chr15:84,856,665, plus strand): 5'-AGGGGAGATGGAACACAGACAGCCCAGAGGACACGTGCAGATAGGAAGACGCAGGTGGAT[G>C]CTGGGACACAAGAAAGCAAGAGGCCACAGTCAGACAGGAGTGCACAGAAGGGCATGATGA-3'
Protein context (NP_065829.4, residues 633-653): TRADRKTQVD[Ala643Pro]GTQESKRPQS